The following is an entry in ClinVar:

NM_181303.2(NLGN3):c.1698G>A (p.Lys566=)

Gene: NLGN3 (neuroligin 3; plus strand). Cytogenetic location: Xq13.1.
Variant type: single nucleotide variant.
Coding change: c.1698G>A on transcript NM_181303.2 (MANE Select); coding-DNA position 1698, G replaced by A.
Protein change: p.Lys566=; no amino-acid change (lysine 566 retained).
Molecular consequence: synonymous variant.
Genome position (GRCh38, 1-based): chrX:71,167,795, G>A. VCF-style: chrX-71167795-G-A. GRCh37 (hg19) VCF-style: chrX-70387645-G-A.
Other names: c.1578G>A, p.Lys526= (NM_001166660.2); c.1287G>A, p.Lys429= (NM_001321276.2, NM_001438298.1); c.1347G>A, p.Lys449= (NM_001437941.1, NM_001438296.1); c.1638G>A, p.Lys546= (NM_018977.4).
Identifiers: ClinVar variation 4821898 (VCV004821898.4).

ClinVar aggregate classification (germline): Likely benign (1 of 4 stars; one submission).

gnomAD v4.1: 173 of 1,206,927 alleles (0.014%); highest among the groups gnomAD compares: East Asian, 0.47%; no homozygotes.

Submission:

CeGaT Center for Human Genetics Tuebingen
Classification: Likely benign. Last evaluated: 2026-01-01. Review status: criteria provided, single submitter. Criteria: CeGaT Center For Human Genetics Tuebingen Variant Classification Criteria Version 2. Collection method: clinical testing. Allele origin: germline. Affected: yes. Observed: 1 variant allele.
Comment: NLGN3: BP4, BP7, BS2